The following is an entry in ClinVar:

NM_007294.4(BRCA1):c.5555C>G (p.Thr1852Ser)

Gene: BRCA1 (BRCA1 DNA repair associated; minus strand). Cytogenetic location: 17q21.31.
Variant type: single nucleotide variant.
Coding change: c.5555C>G on transcript NM_007294.4 (MANE Select); coding-DNA position 5555, C replaced by G.
Protein change: p.Thr1852Ser; replaces threonine 1852 with serine.
Molecular consequence: missense variant. On other transcripts: 3 prime UTR variant (1), non-coding transcript variant (1).
Genome position (GRCh38, 1-based): chr17:43,045,715, G>C on the plus strand (C>G on the coding strand, the complement: BRCA1 is on the minus strand). VCF-style: chr17-43045715-G-C. GRCh37 (hg19) VCF-style: chr17-41197732-G-C.
Other names: c.5429C>G, p.Thr1810Ser (NM_001407673.1, NM_001407674.1, NM_001407675.1 and 8 more transcripts); c.5426C>G, p.Thr1809Ser (NM_001407681.1, NM_001407682.1, NM_001407683.1 and 6 more transcripts); c.5432C>G, p.Thr1811Ser (NM_001407664.1, NM_001407665.1, NM_001407666.1 and 3 more transcripts); c.5423C>G, p.Thr1808Ser (NM_001407690.1, NM_001407691.1); c.5414C>G, p.Thr1805Ser (NM_001407728.1, NM_001407729.1, NM_001407730.1 and 12 more transcripts); c.5411C>G, p.Thr1804Ser (NM_001407732.1, NM_001407733.1, NM_001407734.1 and 18 more transcripts); c.5408C>G, p.Thr1803Ser (NM_001407838.1, NM_001407839.1, NM_001407841.1 and 12 more transcripts); c.*69C>G (NM_001407854.1, NM_001407858.1, NM_001407859.1 and 14 more transcripts); and 74 more; short protein forms T1852S, T748S, T1805S, T1873S, T1739S, T1780S, T1781S, T1808S.
Identifiers: ClinVar variation 869042 (VCV000869042.8), dbSNP rs730881502, ClinGen allele CA10590210.
Genomic context (GRCh38, chr17:43,045,715, plus strand): 5'-TCTGTACCTGTGGCTGGCTGCAGTCAGTAGTGGCTGTGGGGGATCTGGGGTATCAGGTAG[G>C]TGTCCAGCTCCTGGCACTGGTAGAGTGCTACACTGTCCAACACCCACTCTCGGGTCACCA-3'
Protein context (NP_009225.1, residues 1842-1862): VALYQCQELD[Thr1852Ser]YLIPQIPHSH

ClinVar aggregate classification (germline): Uncertain significance (1 of 4 stars; one submission).

Conditions:
Hereditary breast ovarian cancer syndrome. Also called: Hereditary breast and ovarian cancer; Hereditary breast and ovarian cancer syndrome (HBOC); Breast and ovarian cancer; Hereditary breast and/or ovarian cancer syndrome; BRCA1- and BRCA2-Associated Hereditary Breast and Ovarian Cancer; Hereditary breast and ovarian cancer syndrome. Identifiers: Orphanet 145, MedGen C0677776, MeSH D061325, MONDO:0003582. Disease mechanism: loss of function.

Submissions (2):

Labcorp Genetics (formerly Invitae), Labcorp
Classification: Uncertain significance for Hereditary breast ovarian cancer syndrome. Last evaluated: 2022-06-27. Review status: criteria provided, single submitter. Criteria: Invitae Variant Classification Sherloc (09022015). Collection method: clinical testing. Allele origin: germline.
Comment: In summary, the available evidence is currently insufficient to determine the role of this variant in disease. Therefore, it has been classified as a Variant of Uncertain Significance. Advanced modeling of protein sequence and biophysical properties (such as structural, functional, and spatial information, amino acid conservation, physicochemical variation, residue mobility, and thermodynamic stability) performed at Invitae indicates that this missense variant is not expected to disrupt BRCA1 protein function. ClinVar contains an entry for this variant (Variation ID: 869042). This variant has not been reported in the literature in individuals affected with BRCA1-related conditions. This variant is not present in population databases (gnomAD no frequency). This sequence change replaces threonine, which is neutral and polar, with serine, which is neutral and polar, at codon 1852 of the BRCA1 protein (p.Thr1852Ser).

Brotman Baty Institute, University of Washington
No classification provided (evidence only). Condition: Breast-ovarian cancer, familial 1. Review status: no classification provided. Collection method: in vitro. Allele origin: not applicable. Functional consequence: functionally_normal. Not counted in ClinVar's aggregate classification.
ClinVar note: "not provided" was previously submitted as the classification for the variant. However, the classification appeared to be based only on an observation of functional data so it was converted to no classification on 2025-07-30.